The following is an entry in ClinVar:

ClinVar aggregate classification (germline): Uncertain significance (1 of 4 stars; one submission).

Submission:

Labcorp Genetics (formerly Invitae), Labcorp
Classification: Uncertain significance. Last evaluated: 2021-03-31. Review status: criteria provided, single submitter. Criteria: Invitae Variant Classification Sherloc (09022015). Collection method: clinical testing. Allele origin: germline.
Comment: In summary, the available evidence is currently insufficient to determine the role of this variant in disease. Therefore, it has been classified as a Variant of Uncertain Significance. Algorithms developed to predict the effect of missense changes on protein structure and function output the following: SIFT: "Tolerated"; PolyPhen-2: "Benign"; Align-GVGD: "Class C0". The serine amino acid residue is found in multiple mammalian species, suggesting that this missense change does not adversely affect protein function. These predictions have not been confirmed by published functional studies and their clinical significance is uncertain. This variant has not been reported in the literature in individuals with WDR62-related conditions. This variant is not present in population databases (ExAC no frequency). This sequence change replaces alanine with serine at codon 1184 of the WDR62 protein (p.Ala1184Ser). The alanine residue is weakly conserved and there is a moderate physicochemical difference between alanine and serine.

NM_001083961.2(WDR62):c.3550G>T (p.Ala1184Ser)

Gene: WDR62 (WD repeat domain 62; plus strand). Cytogenetic location: 19q13.12.
Variant type: single nucleotide variant.
Coding change: c.3550G>T on transcript NM_001083961.2 (MANE Select); coding-DNA position 3550, G replaced by T.
Protein change: p.Ala1184Ser; replaces alanine 1184 with serine.
Molecular consequence: missense variant.
Genome position (GRCh38, 1-based): chr19:36,103,378, G>T. VCF-style: chr19-36103378-G-T. GRCh37 (hg19) VCF-style: chr19-36594280-G-T.
Other names: c.3535G>T, p.Ala1179Ser (NM_173636.5); short protein forms A1179S, A1184S.
Identifiers: ClinVar variation 1417997 (VCV001417997.8), dbSNP rs1599847481, ClinGen allele CA405454402.